The following is an entry in ClinVar:

ClinVar aggregate classification (germline): Uncertain significance (1 of 4 stars; one submission).

Allele frequency attached by ClinVar (database versions not stated): TOPMed below 0.00001.

Submission:

Labcorp Genetics (formerly Invitae), Labcorp
Classification: Uncertain significance. Last evaluated: 2022-08-16. Review status: criteria provided, single submitter. Criteria: Invitae Variant Classification Sherloc (09022015). Collection method: clinical testing. Allele origin: germline.
Comment: In summary, the available evidence is currently insufficient to determine the role of this variant in disease. Therefore, it has been classified as a Variant of Uncertain Significance. Algorithms developed to predict the effect of missense changes on protein structure and function are either unavailable or do not agree on the potential impact of this missense change (SIFT: "Tolerated"; PolyPhen-2: "Possibly Damaging"; Align-GVGD: "Class C0"). This variant has not been reported in the literature in individuals affected with ACBD5-related conditions. This variant is not present in population databases (gnomAD no frequency). This sequence change replaces leucine, which is neutral and non-polar, with serine, which is neutral and polar, at codon 408 of the ACBD5 protein (p.Leu408Ser).

NM_145698.5(ACBD5):c.1223T>C (p.Leu408Ser)

Gene: ACBD5 (acyl-CoA binding domain containing 5; minus strand). Cytogenetic location: 10p12.1.
Variant type: single nucleotide variant.
Coding change: c.1223T>C on transcript NM_145698.5 (MANE Select); coding-DNA position 1223, T replaced by C.
Protein change: p.Leu408Ser; replaces leucine 408 with serine.
Molecular consequence: missense variant.
Genome position (GRCh38, 1-based): chr10:27,208,427, A>G on the plus strand (T>C on the coding strand, the complement: ACBD5 is on the minus strand). VCF-style: chr10-27208427-A-G. GRCh37 (hg19) VCF-style: chr10-27497356-A-G.
Other names: c.1118T>C, p.Leu373Ser (NM_001042473.4, NM_001352577.2, NM_001352578.2 and 1 more transcripts); c.1217T>C, p.Leu406Ser (NM_001271512.3); c.896T>C, p.Leu299Ser (NM_001301251.2, NM_001301252.2, NM_001301253.2 and 2 more transcripts); c.692T>C, p.Leu231Ser (NM_001301254.2); c.1277T>C, p.Leu426Ser (NM_001352568.1); c.1151T>C, p.Leu384Ser (NM_001352576.2, NM_001352574.2, NM_001352575.2); c.1064T>C, p.Leu355Ser (NM_001352580.2); c.1052T>C, p.Leu351Ser (NM_001352581.1); and 10 more; short protein forms L340S, L351S, L384S, L419S, L231S, L349S, L373S, L406S.
Identifiers: ClinVar variation 1951418 (VCV001951418.5), dbSNP rs2060701969, ClinGen allele CA376373617.